The following is an entry in ClinVar:

ClinVar aggregate classification (germline): Uncertain significance (1 of 4 stars; one submission).

Submission:

GeneDx
Classification: Uncertain significance. Last evaluated: 2026-03-27. Review status: criteria provided, single submitter. Criteria: GeneDx Variant Classification Process June 2021. Collection method: clinical testing. Allele origin: germline.
Comment: Not observed at significant frequency in large population cohorts (gnomAD); In silico analysis supports that this missense variant has a deleterious effect on protein structure/function; Has not been previously published as pathogenic or benign to our knowledge

NM_181703.4(GJA5):c.623T>C (p.Ile208Thr)

Genes: GJA5 (gap junction protein alpha 5; minus strand), LOC122128420 (Sharpr-MPRA regulatory region 3144; plus strand). Cytogenetic location: 1q21.2.
Variant type: single nucleotide variant.
Coding change: c.623T>C on transcript NM_181703.4 (MANE Select); coding-DNA position 623, T replaced by C.
Protein change: p.Ile208Thr; replaces isoleucine 208 with threonine.
Molecular consequence: missense variant.
Genome position (GRCh38, 1-based): chr1:147,758,616, A>G on the plus strand (T>C on the coding strand, the complement: GJA5 is on the minus strand). VCF-style: chr1-147758616-A-G. GRCh37 (hg19) VCF-style: chr1-147230724-A-G.
Other names: c.623T>C, p.Ile208Thr (NM_005266.7); short protein forms I208T.
Identifiers: ClinVar variation 5017394 (VCV005017394.1).